The following is an entry in ClinVar:

NM_006397.3(RNASEH2A):c.613G>T (p.Asp205Tyr)

Gene: RNASEH2A (ribonuclease H2 subunit A; plus strand). Cytogenetic location: 19p13.13.
Variant type: single nucleotide variant.
Coding change: c.613G>T on transcript NM_006397.3 (MANE Select); coding-DNA position 613, G replaced by T.
Protein change: p.Asp205Tyr; replaces aspartic acid 205 with tyrosine.
Molecular consequence: missense variant.
Genome position (GRCh38, 1-based): chr19:12,810,380, G>T. VCF-style: chr19-12810380-G-T. GRCh37 (hg19) VCF-style: chr19-12921194-G-T.
Other names: short protein forms D205Y.
Identifiers: ClinVar variation 1488930 (VCV001488930.6), dbSNP rs965949988, ClinGen allele CA404267820.

ClinVar aggregate classification (germline): Uncertain significance (1 of 4 stars; one submission).

Conditions:
Aicardi-Goutieres syndrome 4. Identifiers: Orphanet 51, MedGen C1835912, MONDO:0012472, OMIM 610333.

Submission:

Labcorp Genetics (formerly Invitae), Labcorp
Classification: Uncertain significance for Aicardi-Goutieres syndrome 4. Last evaluated: 2021-09-06. Review status: criteria provided, single submitter. Criteria: Invitae Variant Classification Sherloc (09022015). Collection method: clinical testing. Allele origin: germline.
Comment: Algorithms developed to predict the effect of missense changes on protein structure and function are either unavailable or do not agree on the potential impact of this missense change (SIFT: "Deleterious"; PolyPhen-2: "Probably Damaging"; Align-GVGD: "Class C0"). This variant has not been reported in the literature in individuals affected with RNASEH2A-related conditions. This variant is not present in population databases (ExAC no frequency). This sequence change replaces aspartic acid with tyrosine at codon 205 of the RNASEH2A protein (p.Asp205Tyr). The aspartic acid residue is moderately conserved and there is a large physicochemical difference between aspartic acid and tyrosine. In summary, the available evidence is currently insufficient to determine the role of this variant in disease. Therefore, it has been classified as a Variant of Uncertain Significance.